The following is an entry in ClinVar:

NM_001754.5(RUNX1):c.869C>G (p.Ser290Cys)

Gene: RUNX1 (RUNX family transcription factor 1; minus strand). Cytogenetic location: 21q22.12.
Variant type: single nucleotide variant.
Coding change: c.869C>G on transcript NM_001754.5 (MANE Select); coding-DNA position 869, C replaced by G.
Protein change: p.Ser290Cys; replaces serine 290 with cysteine.
Molecular consequence: missense variant.
Genome position (GRCh38, 1-based): chr21:34,799,399, G>C on the plus strand (C>G on the coding strand, the complement: RUNX1 is on the minus strand). VCF-style: chr21-34799399-G-C. GRCh37 (hg19) VCF-style: chr21-36171696-G-C.
Other names: NM_001754.5(RUNX1):c.869C>G; p.Ser290Cys; c.788C>G, p.Ser263Cys (NM_001001890.3); short protein forms S263C, S290C.
Identifiers: ClinVar variation 2737296 (VCV002737296.6), dbSNP rs748144554, ClinGen allele CA10014279.
Genomic context (GRCh38, chr21:34,799,399, plus strand): 5'-ATGCCGCTGGCACGTCCAGGTGAAATGGGCGTTGCTGGGTGCACAGAAGGAGAGGCAATG[G>C]ATCCCAGGTATTGGTAGGACTGATCGTAGGACCACGGTGGGGATGGTTGGATCTGCCTTG-3'
Protein context (NP_001745.2, residues 280-300): SYDQSYQYLG[Ser290Cys]IASPSVHPAT

ClinVar aggregate classification (germline): Uncertain significance. Review status: reviewed by expert panel (3 of 4 stars). 3 submissions from 3 submitters: Uncertain significance (1). 2 of the submissions do not count toward it. Last evaluated 2024-09-12.

Conditions:
Inborn genetic diseases. Identifiers: MedGen C0950123, MeSH D030342.
Hereditary thrombocytopenia and hematologic cancer predisposition syndrome. Identifiers: Orphanet 71290, MedGen CN281654, MONDO:0011071.
Hereditary thrombocytopenia and hematological cancer predisposition syndrome associated with RUNX1. Also called: RUNX1 Familial Platelet Disorder with Associated Myeloid Malignancies; Familial Platelet Disorder with Propensity to Acute Myelogenous Leukemia; Familial thrombocytopenia with propensity to acute myelogenous leukemia; PLATELET DISORDER, ASPIRIN-LIKE. Identifiers: Orphanet 71290, MedGen C1832388, MeSH C563324, MONDO:0100083, OMIM 601399.

Allele frequency attached by ClinVar (database versions not stated): ExAC 0.00001; TOPMed 0.00002.

Submissions (3):

ClinGen Myeloid Malignancy Variant Curation Expert Panel
Classification: Uncertain significance for Hereditary thrombocytopenia and hematologic cancer predisposition syndrome. Last evaluated: 2024-09-12. Review status: reviewed by expert panel. Criteria: ClinGen MyeloMalig ACMG Specifications v2. Collection method: curation. Allele origin: germline. Inheritance: Autosomal dominant inheritance.
Comment: NM_001754.5(RUNX1):c.869C>G (p.Ser290Cys) is a missense variant in exon 8 (of 9). This variant has not been observed in any population according to gnomAD (PM2_Supporting). The nucleotide substitution is not predicted to disrupt splicing (SpliceAI score = 0.00), and the amino acid change is permissive (REVEL score 0.175, < 0.5). Functional evidence is not available in the literature, and there are no published cases with this variant. In summary, the clinical significance of this variant is uncertain due to insufficient evidence. ACMG/AMP criteria applied, as specified by the Myeloid Malignancy Variant Curation Expert Panel for RUNX1: PM2_Supporting.

Ambry Genetics
Classification: Uncertain significance for Inborn genetic diseases. Last evaluated: 2026-09-09. Review status: criteria provided, single submitter. Criteria: Ambry Variant Classification Scheme 2023. Collection method: clinical testing. Allele origin: germline. Not counted in ClinVar's aggregate classification.

Labcorp Genetics (formerly Invitae), Labcorp
Classification: Uncertain significance for Hereditary thrombocytopenia and hematological cancer predisposition syndrome associated with RUNX1. Last evaluated: 2023-02-01. Review status: criteria provided, single submitter. Criteria: Invitae Variant Classification Sherloc (09022015). Collection method: clinical testing. Allele origin: germline. Not counted in ClinVar's aggregate classification.
Comment: This sequence change replaces serine, which is neutral and polar, with cysteine, which is neutral and slightly polar, at codon 290 of the RUNX1 protein (p.Ser290Cys). This variant is present in population databases (rs748144554, gnomAD 0.007%). This variant has not been reported in the literature in individuals affected with RUNX1-related conditions. Advanced modeling of protein sequence and biophysical properties (such as structural, functional, and spatial information, amino acid conservation, physicochemical variation, residue mobility, and thermodynamic stability) performed at Invitae indicates that this missense variant is not expected to disrupt RUNX1 protein function. In summary, the available evidence is currently insufficient to determine the role of this variant in disease. Therefore, it has been classified as a Variant of Uncertain Significance.